The following is an entry in ClinVar:

ClinVar aggregate classification (germline): Likely benign (1 of 4 stars; one submission).

Conditions:
Hypertrophic cardiomyopathy. Also called: HYPERTROPHIC MYOCARDIOPATHY. Identifiers: Orphanet 217569, MedGen C0007194, MeSH D002312, MONDO:0005045, HP:0001639.

Submission:

All of Us Research Program, National Institutes of Health
Classification: Likely benign for Hypertrophic cardiomyopathy. Last evaluated: 2023-12-13. Review status: criteria provided, single submitter. Criteria: ACMG Guidelines, 2015. Collection method: clinical testing. Allele origin: germline. Inheritance: Autosomal dominant inheritance. Observed: 1 variant allele, 1 heterozygote.
Comment: This study involves interpretation of variants in research participants for the purpose of population health screening. Participant phenotype was not available at the time of variant classification. Additional details can be found in publication PMID: 35346344, PMCID: PMC8962531

NM_000256.3(MYBPC3):c.2718G>A (p.Val906=)

Gene: MYBPC3 (myosin binding protein C3; minus strand). Cytogenetic location: 11p11.2.
Variant type: single nucleotide variant.
Coding change: c.2718G>A on transcript NM_000256.3 (MANE Select); coding-DNA position 2718, G replaced by A.
Protein change: p.Val906=; no amino-acid change (valine 906 retained).
Molecular consequence: synonymous variant.
Genome position (GRCh38, 1-based): chr11:47,335,896, C>T on the plus strand (G>A on the coding strand, the complement: MYBPC3 is on the minus strand). VCF-style: chr11-47335896-C-T. GRCh37 (hg19) VCF-style: chr11-47357447-C-T.
Identifiers: ClinVar variation 3074766 (VCV003074766.1), dbSNP rs2095881762, ClinGen allele CA474214268.
Genomic context (GRCh38, chr11:47,335,896, plus strand): 5'-TTCTTCCTTTGGGGAGGGGGGTTGGGGGCGGGGACACTCACAGCCCTCTGGGCAGTACTC[C>T]ACGCTGTAGCCATCCAGGCCTCCTGCTCCCACGCGCTCTGGGGGCCGCCACTTGAGGGAG-3'
Protein context (NP_000247.2, residues 896-916): VGAGGLDGYS[Val906=]EYCPEGCSEW